The following is an entry in ClinVar:

NM_004656.4(BAP1):c.321C>T (p.Asp107=)

Gene: BAP1 (BRCA1 associated deubiquitinase 1; minus strand). Cytogenetic location: 3p21.1.
Variant type: single nucleotide variant.
Coding change: c.321C>T on transcript NM_004656.4 (MANE Select); coding-DNA position 321, C replaced by T.
Protein change: p.Asp107=; no amino-acid change (aspartic acid 107 retained).
Molecular consequence: synonymous variant.
Genome position (GRCh38, 1-based): chr3:52,408,012, G>A on the plus strand (C>T on the coding strand, the complement: BAP1 is on the minus strand). VCF-style: chr3-52408012-G-A. GRCh37 (hg19) VCF-style: chr3-52442028-G-A.
Identifiers: ClinVar variation 1560896 (VCV001560896.11), dbSNP rs1705220829, ClinGen allele CA433777689.

ClinVar aggregate classification (germline): Benign/Likely benign. Review status: criteria provided, multiple submitters, no conflicts (2 of 4 stars). 3 submissions from 3 submitters: Benign (1); Likely benign (2). Last evaluated 2024-07-12.

Conditions:
Hereditary cancer-predisposing syndrome. Also called: Hereditary neoplastic syndrome; Neoplastic Syndromes, Hereditary; Hereditary Cancer Syndrome; Tumor predisposition. Identifiers: Orphanet 140162, MedGen C0027672, MeSH D009386, MONDO:0015356.
BAP1-related tumor predisposition syndrome (TPDS1). Also called: COMMON Syndrome; TUMOR PREDISPOSITION SYNDROME 1; Tumor susceptibility linked to germline BAP1 mutations; BAP1 tumor predisposition syndrome. Identifiers: Orphanet 289539, MedGen C3280492, MONDO:0013692, OMIM 614327.

Submissions (3):

Myriad Genetics, Inc.
Classification: Benign for BAP1-related tumor predisposition syndrome. Last evaluated: 2024-07-12. Review status: criteria provided, single submitter. Criteria: Myriad Autosomal Dominant, Autosomal Recessive and X-Linked Classification Criteria (2023). Collection method: clinical testing. Allele origin: unknown.
Comment: This variant is considered benign. This variant is a silent/synonymous amino acid change and it is not expected to impact splicing.

Labcorp Genetics (formerly Invitae), Labcorp
Classification: Likely benign for BAP1-related tumor predisposition syndrome. Last evaluated: 2024-02-17. Review status: criteria provided, single submitter. Criteria: Invitae Variant Classification Sherloc (09022015). Collection method: clinical testing. Allele origin: germline.

Ambry Genetics
Classification: Likely benign for Hereditary cancer-predisposing syndrome. Last evaluated: 2020-03-05. Review status: criteria provided, single submitter. Criteria: Ambry Variant Classification Scheme 2023. Collection method: clinical testing. Allele origin: germline.